The following is an entry in ClinVar:

NM_003742.4(ABCB11):c.3880del (p.Val1293_Val1294insTer)

Gene: ABCB11 (ATP binding cassette subfamily B member 11; minus strand). Cytogenetic location: 2q31.1.
Variant type: Deletion.
Coding change: c.3880del on transcript NM_003742.4 (MANE Select); coding-DNA position 3880, one base deleted (G; older notation c.3880delG).
Protein change: p.Val1293_Val1294insTer.
Molecular consequence: nonsense.
Genome position (GRCh38, 1-based): chr2:168,923,708, C deleted on the plus strand (G on the coding strand, the reverse complement: ABCB11 is on the minus strand); the first of 2 consecutive C bases (chr2:168,923,708-168,923,709); deleting either gives the same sequence. VCF-style (leftmost placement, unchanged base first): chr2-168923707-AC-A. GRCh37 (hg19) VCF-style: chr2-169780217-AC-A.
Identifiers: ClinVar variation 2757594 (VCV002757594.3), dbSNP rs2545223749, ClinGen allele CA2661803468.
Genomic context (GRCh38, chr2:168,923,707, plus strand): 5'-ACTAGTTTGTAGTAGGCTCCTTTTTGGGCCATCAGTTCTTCATGGGTCCCCTTTTCAATC[AC>A]CACCCCCTGTGCCATGACAGCAATGATATCCGCGTTCTGGATGGTGGACAAGCGATGGGC-3'

ClinVar aggregate classification (germline): Pathogenic (1 of 4 stars; one submission).

Submission:

Labcorp Genetics (formerly Invitae), Labcorp
Classification: Pathogenic. Last evaluated: 2023-09-03. Review status: criteria provided, single submitter. Criteria: Invitae Variant Classification Sherloc (09022015). Collection method: clinical testing. Allele origin: germline.
Comment: For these reasons, this variant has been classified as Pathogenic. This variant disrupts a region of the ABCB11 protein in which other variant(s) (p.Glu1302*) have been determined to be pathogenic (PMID: 18395098, 31015375). This suggests that this is a clinically significant region of the protein, and that variants that disrupt it are likely to be disease-causing. This variant has not been reported in the literature in individuals affected with ABCB11-related conditions. This variant is not present in population databases (gnomAD no frequency). This sequence change creates a premature translational stop signal (p.Val1294*) in the ABCB11 gene. While this is not anticipated to result in nonsense mediated decay, it is expected to disrupt the last 28 amino acid(s) of the ABCB11 protein.

Literature cited by the submitters: PubMed 18395098; PubMed 31015375.